The following is an entry in ClinVar:

NM_000059.4(BRCA2):c.872T>C (p.Leu291Pro)

Gene: BRCA2 (BRCA2 DNA repair associated; plus strand). Cytogenetic location: 13q13.1.
Variant type: single nucleotide variant.
Coding change: c.872T>C on transcript NM_000059.4 (MANE Select); coding-DNA position 872, T replaced by C.
Protein change: p.Leu291Pro; replaces leucine 291 with proline.
Molecular consequence: missense variant.
Genome position (GRCh38, 1-based): chr13:32,332,350, T>C. VCF-style: chr13-32332350-T-C. GRCh37 (hg19) VCF-style: chr13-32906487-T-C.
Other names: c.872T>C, p.Leu291Pro (NM_001406719.1, NM_001406720.1, NM_001406721.1); short protein forms L291P.
Identifiers: ClinVar variation 2413381 (VCV002413381.10), dbSNP rs2137465433, ClinGen allele CA387760603.

ClinVar aggregate classification (germline): Conflicting classifications of pathogenicity. Review status: criteria provided, conflicting classifications (1 of 4 stars). 2 submissions from 2 submitters: Uncertain significance (1); Likely benign (1). Last evaluated 2023-03-23.

Conditions:
Hereditary cancer-predisposing syndrome. Also called: Tumor predisposition; Hereditary Cancer Syndrome; Neoplastic Syndromes, Hereditary; Hereditary neoplastic syndrome. Identifiers: Orphanet 140162, MedGen C0027672, MeSH D009386, MONDO:0015356.
Hereditary breast ovarian cancer syndrome. Also called: Hereditary breast and ovarian cancer syndrome; Hereditary breast and ovarian cancer syndrome (HBOC); Hereditary breast and ovarian cancer; Breast and ovarian cancer; BRCA1- and BRCA2-Associated Hereditary Breast and Ovarian Cancer; Hereditary breast and/or ovarian cancer syndrome. Identifiers: Orphanet 145, MedGen C0677776, MeSH D061325, MONDO:0003582. Disease mechanism: loss of function.

Submissions (2):

University of Washington Department of Laboratory Medicine, University of Washington
Classification: Likely benign for Hereditary cancer-predisposing syndrome. Last evaluated: 2023-03-23. Review status: criteria provided, single submitter. Criteria: Dines et al. (Genet Med. 2020). Collection method: curation. Allele origin: germline.
Comment: Missense variant in a coldspot region where missense variants are very unlikely to be pathogenic (PMID:31911673).

BRCA2 exon 10 coldspot. Reclassification based on statistical prior probability.

Labcorp Genetics (formerly Invitae), Labcorp
Classification: Uncertain significance for Hereditary breast ovarian cancer syndrome. Last evaluated: 2022-05-05. Review status: criteria provided, single submitter. Criteria: Invitae Variant Classification Sherloc (09022015). Collection method: clinical testing. Allele origin: germline.
Comment: In summary, the available evidence is currently insufficient to determine the role of this variant in disease. Therefore, it has been classified as a Variant of Uncertain Significance. Advanced modeling of protein sequence and biophysical properties (such as structural, functional, and spatial information, amino acid conservation, physicochemical variation, residue mobility, and thermodynamic stability) performed at Invitae indicates that this missense variant is not expected to disrupt BRCA2 protein function. This variant has not been reported in the literature in individuals affected with BRCA2-related conditions. This variant is not present in population databases (gnomAD no frequency). This sequence change replaces leucine, which is neutral and non-polar, with proline, which is neutral and non-polar, at codon 291 of the BRCA2 protein (p.Leu291Pro).